The following is an entry in ClinVar:

NM_004187.5(KDM5C):c.3019C>T (p.Arg1007Cys)

Gene: KDM5C (lysine demethylase 5C; minus strand). Cytogenetic location: Xp11.22.
Variant type: single nucleotide variant.
Coding change: c.3019C>T on transcript NM_004187.5 (MANE Select); coding-DNA position 3019, C replaced by T.
Protein change: p.Arg1007Cys; replaces arginine 1007 with cysteine.
Molecular consequence: missense variant. On other transcripts: non-coding transcript variant (3).
Genome position (GRCh38, 1-based): chrX:53,196,017, G>A on the plus strand (C>T on the coding strand, the complement: KDM5C is on the minus strand). VCF-style: chrX-53196017-G-A. GRCh37 (hg19) VCF-style: chrX-53225199-G-A.
Other names: c.2818C>T, p.Arg940Cys (NM_001146702.2); c.3016C>T, p.Arg1006Cys (NM_001282622.3, NM_001353979.2, NM_001353982.2); c.3019C>T, p.Arg1007Cys (NM_001353978.3, NM_001353981.2, NM_001353984.2); short protein forms R1007C, R1006C, R940C.
Identifiers: ClinVar variation 391601 (VCV000391601.2), dbSNP rs781854324, ClinGen allele CA10419291.

ClinVar aggregate classification (germline): Uncertain significance (1 of 4 stars; one submission).

Allele frequency attached by ClinVar (database versions not stated): ExAC 0.00004; gnomAD exomes 0.00004 and 0.00009; TOPMed 0.00004; gnomAD 0.00007.
gnomAD v4.1: 105 of 1,210,749 alleles (0.0087%); highest among the groups gnomAD compares: Non-Finnish European, 0.011%; no homozygotes.

Submission:

GeneDx
Classification: Uncertain significance. Last evaluated: 2016-12-23. Review status: criteria provided, single submitter. Criteria: GeneDx Variant Classification (06012015). Collection method: clinical testing. Allele origin: germline. Affected: yes.
Comment: The R1007C variant in the KDM5C gene has not been reported previously as a pathogenic variant, nor as a benign variant, to our knowledge. The R1007C variant was not observed in approximately 6,500 individuals of European and African American ancestry in the NHLBI Exome Sequencing Project, indicating it is not a common benign variant in these populations. The R1007C variant is a non-conservative amino acid substitution, which is likely to impact secondary protein structure as these residues differ in polarity, charge, size and/or other properties. This substitution occurs at a position that is not conserved. In silico analysis is inconsistent in its predictions as to whether or not the variant is damaging to the protein structure/function. We interpret R1007C as a variant of uncertain significance.